The following is an entry in ClinVar:

ClinVar aggregate classification (germline): Uncertain significance (1 of 4 stars; one submission).

Conditions:
Charcot-Marie-Tooth disease type 2. Also called: Charcot-Marie-Tooth type 2. Identifiers: Orphanet 64746, MedGen C0270914, MONDO:0018993.

Allele frequency attached by ClinVar (database versions not stated): TOPMed below 0.00001.

Submission:

Labcorp Genetics (formerly Invitae), Labcorp
Classification: Uncertain significance for Charcot-Marie-Tooth disease type 2. Last evaluated: 2021-02-27. Review status: criteria provided, single submitter. Criteria: Invitae Variant Classification Sherloc (09022015). Collection method: clinical testing. Allele origin: germline.
Comment: This sequence change replaces aspartic acid with valine at codon 461 of the AARS protein (p.Asp461Val). The aspartic acid residue is highly conserved and there is a large physicochemical difference between aspartic acid and valine. This variant is not present in population databases (ExAC no frequency). This variant has not been reported in the literature in individuals with AARS-related conditions. Algorithms developed to predict the effect of missense changes on protein structure and function are either unavailable or do not agree on the potential impact of this missense change (SIFT: "Deleterious"; PolyPhen-2: "Benign"; Align-GVGD: "Class C0"). In summary, the available evidence is currently insufficient to determine the role of this variant in disease. Therefore, it has been classified as a Variant of Uncertain Significance.

NM_001605.3(AARS1):c.1382A>T (p.Asp461Val)

Gene: AARS1 (alanyl-tRNA synthetase 1; minus strand). Cytogenetic location: 16q22.1.
Variant type: single nucleotide variant.
Coding change: c.1382A>T on transcript NM_001605.3 (MANE Select); coding-DNA position 1382, A replaced by T.
Protein change: p.Asp461Val; replaces aspartic acid 461 with valine.
Molecular consequence: missense variant.
Genome position (GRCh38, 1-based): chr16:70,265,068, T>A on the plus strand (A>T on the coding strand, the complement: AARS1 is on the minus strand). VCF-style: chr16-70265068-T-A. GRCh37 (hg19) VCF-style: chr16-70298971-T-A.
Other names: short protein forms D461V.
Identifiers: ClinVar variation 1682229 (VCV001682229.8), dbSNP rs1195150104, ClinGen allele CA396561332.
Genomic context (GRCh38, chr16:70,265,068, plus strand): 5'-GTGACCTCCAGACCCCGTGCCCGGAGCTCTTCGATAGCGTAAATGTCCAGCATAATGAGG[T>A]CTTCCCCACCAGCTCCCTTGCCCTGTGATTTCAGCTGTCAGCAAGAGAAACAAGCATAAG-3'
Protein context (NP_001596.2, residues 451-471): KSQGKGAGGE[Asp461Val]LIMLDIYAIE